The following is an entry in ClinVar:

ClinVar aggregate classification (germline): Likely benign (1 of 4 stars; one submission).

Allele frequency attached by ClinVar (database versions not stated): gnomAD 0.00001; TOPMed 0.00001.

Submission:

CeGaT Center for Human Genetics Tuebingen
Classification: Likely benign. Last evaluated: 2022-06-01. Review status: criteria provided, single submitter. Criteria: CeGaT Center For Human Genetics Tuebingen Variant Classification Criteria Version 2. Collection method: clinical testing. Allele origin: germline. Affected: yes. Observed: 1 variant allele.
Comment: MUC17: BP4, BP7

NM_001040105.2(MUC17):c.7704T>C (p.Thr2568=)

Gene: MUC17 (mucin 17, cell surface associated; plus strand). Cytogenetic location: 7q22.1.
Variant type: single nucleotide variant.
Coding change: c.7704T>C on transcript NM_001040105.2 (MANE Select); coding-DNA position 7704, T replaced by C.
Protein change: p.Thr2568=; no amino-acid change (threonine 2568 retained).
Molecular consequence: synonymous variant. On other transcripts: non-coding transcript variant (1).
Genome position (GRCh38, 1-based): chr7:101,039,120, T>C. VCF-style: chr7-101039120-T-C. GRCh37 (hg19) VCF-style: chr7-100682401-T-C.
Identifiers: ClinVar variation 2657847 (VCV002657847.24), dbSNP rs1285791891, ClinGen allele CA456922456.